The following is an entry in ClinVar:

NM_001267550.2(TTN):c.68097G>C (p.Gln22699His)

Genes: TTN (titin; minus strand), TTN-AS1 (TTN antisense RNA 1; plus strand), LOC126806423 (CDK7 strongly-dependent group 2 enhancer GRCh37_chr2:179443309-179444508; plus strand). Cytogenetic location: 2q31.2.
Variant type: single nucleotide variant.
Coding change: c.68097G>C on transcript NM_001267550.2 (MANE Select); coding-DNA position 68097, G replaced by C.
Protein change: p.Gln22699His; replaces glutamine 22699 with histidine.
Molecular consequence: missense variant.
Genome position (GRCh38, 1-based): chr2:178,578,933, C>G on the plus strand (G>C on the coding strand, the complement: TTN is on the minus strand). VCF-style: chr2-178578933-C-G. GRCh37 (hg19) VCF-style: chr2-179443660-C-G.
Other names: c.60393G>C, p.Gln20131His (NM_133378.4); c.63174G>C, p.Gln21058His (NM_001256850.1); c.40902G>C, p.Gln13634His (NM_003319.4); c.41277G>C, p.Gln13759His (NM_133432.3); c.41478G>C, p.Gln13826His (NM_133437.4); short protein forms Q20131H, Q22699H, Q21058H, Q13759H, Q13826H, Q13634H.
Identifiers: ClinVar variation 178895 (VCV000178895.17), dbSNP rs727504520, ClinGen allele CA183247.
Genomic context (GRCh38, chr2:178,578,933, plus strand): 5'-ACTGACCCTGAAGGTATATTCCATGCCCTCATGAAGTCTGGTTACTCTAAAGGTGGTTTT[C>G]TGGACAGCTGAGGCGCACGTCACCCACTTGTTGTTCACAGAATCCCTCTTCTCTAGGATA-3'
Protein context (NP_001254479.2, residues 22689-22709): NKWVTCASAV[Gln22699His]KTTFRVTRLH

ClinVar aggregate classification (germline): Conflicting classifications of pathogenicity. Review status: criteria provided, conflicting classifications (1 of 4 stars). 7 submissions from 7 submitters: Uncertain significance (5); Likely benign (2). Last evaluated 2026-06-15.

Conditions:
TTN-related disorder. Also called: TTN-related condition; TTN-related disease; TTN-related disorders.
Dilated cardiomyopathy 1G (CMD1G). Identifiers: Orphanet 154, MedGen C1858763, MONDO:0011400, OMIM 604145.
Autosomal recessive limb-girdle muscular dystrophy type 2J (LGMDR10). Also called: Limb-girdle muscular dystrophy, type 2J; MUSCULAR DYSTROPHY, LIMB-GIRDLE, AUTOSOMAL RECESSIVE 10. Identifiers: Orphanet 140922, MedGen C1837342, MONDO:0012127, OMIM 608807.

Allele frequency attached by ClinVar (database versions not stated): ExAC 0.00003; gnomAD exomes 0.00005 and 0.00015; gnomAD 0.00008; TOPMed 0.00009.
gnomAD v4.1: 229 of 1,613,112 alleles (0.014%); highest among the groups gnomAD compares: Non-Finnish European, 0.017%; no homozygotes.

Submissions (7):

PreventionGenetics, part of Exact Sciences
Classification: Uncertain significance for TTN-related condition. Last evaluated: 2026-06-15. Review status: criteria provided, single submitter. Criteria: ACMG Guidelines, 2015. Collection method: clinical testing. Allele origin: germline.
Comment: The TTN c.68097G>C variant is predicted to result in the amino acid substitution p.Gln22699His. This variant was reported in a large cohort study of individuals with hypertrophic cardiomyopathy (Table 3, reported as p.Q21058H in NM_001256850 Xu et al. 2015. PubMed ID: 26573135) and a patient with dilated cardiomyopathy; however, pathogenicity was not established (Supp. Table 3 Mazzarotto et al. 2020. PubMed ID: 31983221). This variant is reported in 0.068% of alleles in individuals of Ashkenazi Jewish descent in gnomAD indicating this variant is likely too common for autosomal dominant disorders. Although we suspect this variant is benign, at this time, the clinical significance of this variant is uncertain due to the absence of conclusive functional and genetic evidence.

Molecular Diagnostic Laboratory for Inherited Cardiovascular Disease, Montreal Heart Institute
Classification: Likely benign. Last evaluated: 2025-07-24. Review status: criteria provided, single submitter. Criteria: ACMG Guidelines, 2015. Collection method: clinical testing. Allele origin: germline. Affected: no.
Comment: BP1

Revvity Omics, Revvity
Classification: Uncertain significance. Last evaluated: 2024-11-19. Review status: criteria provided, single submitter. Criteria: ACMG Guidelines, 2015. Collection method: clinical testing. Allele origin: germline.

GeneDx
Classification: Likely benign. Last evaluated: 2019-08-06. Review status: criteria provided, single submitter. Criteria: GeneDx Variant Classification Process June 2021. Collection method: clinical testing. Allele origin: germline. Affected: yes.
Comment: This variant is associated with the following publications: (PMID: 31983221, 26573135)

Athena Diagnostics
Classification: Uncertain significance. Last evaluated: 2018-03-26. Review status: criteria provided, single submitter. Criteria: Athena Diagnostics Criteria. Collection method: clinical testing. Allele origin: germline.

Labcorp Genetics (formerly Invitae), Labcorp
Classification: Uncertain significance for Dilated cardiomyopathy 1G; Autosomal recessive limb-girdle muscular dystrophy type 2J. Last evaluated: 2017-12-18. Review status: criteria provided, single submitter. Criteria: Invitae Variant Classification Sherloc (09022015). Collection method: clinical testing. Allele origin: germline.

Laboratory for Molecular Medicine, Mass General Brigham Personalized Medicine
Classification: Uncertain significance. Last evaluated: 2013-04-12. Review status: criteria provided, single submitter. Criteria: LMM Criteria. Collection method: clinical testing. Allele origin: germline. Observed: 1 variant allele.
Comment: The Gln20131His variant in TTN has not been reported in individuals with cardiom yopathy or in large population studies. Computational analyses (biochemical amin o acid properties, conservation, PolyPhen2, and SIFT) are uninformative. Additio nal information is needed to fully assess the clinical significance of this vari ant.

Literature cited by the submitters: PubMed 26573135 (cited by Athena Diagnostics).